The following is an entry in ClinVar:

NM_015354.3(NUP188):c.3030G>C (p.Trp1010Cys)

Gene: NUP188 (nucleoporin 188; plus strand). Cytogenetic location: 9q34.11.
Variant type: single nucleotide variant.
Coding change: c.3030G>C on transcript NM_015354.3 (MANE Select); coding-DNA position 3030, G replaced by C.
Protein change: p.Trp1010Cys; replaces tryptophan 1010 with cysteine.
Molecular consequence: missense variant.
Genome position (GRCh38, 1-based): chr9:128,994,385, G>C. VCF-style: chr9-128994385-G-C. GRCh37 (hg19) VCF-style: chr9-131756664-G-C.
Other names: c.3030G>C (NM_015354.1); short protein forms W1010C.
Identifiers: ClinVar variation 3254833 (VCV003254833.2), dbSNP rs372695570.

ClinVar aggregate classification (germline): Uncertain significance. Review status: criteria provided, multiple submitters, no conflicts (2 of 4 stars). 2 submissions from 2 submitters: Uncertain significance (2). Last evaluated 2024-11-08.

Conditions:
Sandestig-stefanova syndrome. Identifiers: MedGen C5394118, MONDO:0032926, OMIM 618804.
Inborn genetic diseases. Identifiers: MedGen C0950123, MeSH D030342.

Allele frequency attached by ClinVar (database versions not stated): ExAC 0.00001; gnomAD exomes 0.00001; gnomAD 0.00002; TOPMed 0.00002; ESP Exome Variant Server 0.00008.
gnomAD v4.1: 20 of 1,612,590 alleles (0.0012%); highest among the groups gnomAD compares: Non-Finnish European, 0.000085%; no homozygotes.

Submissions (2):

Ambry Genetics
Classification: Uncertain significance for Inborn genetic diseases. Last evaluated: 2024-11-08. Review status: criteria provided, single submitter. Criteria: Ambry Variant Classification Scheme 2023. Collection method: clinical testing. Allele origin: germline.

Victorian Clinical Genetics Services, Murdoch Childrens Research Institute
Classification: Uncertain significance for Sandestig-stefanova syndrome. Last evaluated: 2023-12-20. Review status: criteria provided, single submitter. Criteria: ACMG Guidelines, 2015. Collection method: clinical testing. Allele origin: germline. Inheritance: Autosomal recessive inheritance. Affected: yes.
Comment: Based on the classification scheme VCGS_Germline_v1.3.4, this variant is classified as VUS-3B. Following criteria are met: 0102 - Loss of function is a known mechanism of disease in this gene and is associated with Sandestig-Stefanova syndrome (MIM#618804). (I) 0106 - This gene is associated with autosomal recessive disease. (I) 0200 - Variant is predicted to result in a missense amino acid change from tryptophan to cysteine. (I) 0251 - This variant is heterozygous. (I) 0304 - Variant is present in gnomAD (v2) <0.01 for a recessive condition (4 heterozygotes, 0 homozygotes). (SP) 0501 - Missense variant consistently predicted to be damaging by multiple in silico tools or highly conserved with a major amino acid change. (SP) 0604 - Variant is not located in an established domain, motif, hotspot or informative constraint region. (I) 0705 - No comparable missense variants have previous evidence for pathogenicity. (I) 0807 - This variant has no previous evidence of pathogenicity. (I) 0905 - No published segregation evidence has been identified for this variant. (I) 1007 - No published functional evidence has been identified for this variant. (I) Legend: (SP) - Supporting pathogenic, (I) - Information, (SB) - Supporting benign